The following is an entry in ClinVar:

ClinVar aggregate classification (germline): Uncertain significance (1 of 4 stars; one submission).

Conditions:
Ellis-van Creveld syndrome (EVC). Also called: EVC-Related Ellis-van Creveld Syndrome; EVC2-Related Ellis-van Creveld Syndrome; MESOECTODERMAL DYSPLASIA; Chondroectodermal dysplasia. Identifiers: Orphanet 289, MedGen C0013903, MONDO:0009162, OMIM 225500.
Curry-Hall syndrome (WAD). Also called: WEYERS ACRODENTAL DYSOSTOSIS. Identifiers: Orphanet 952, MedGen C0457013, MONDO:0008673, OMIM 193530.

gnomAD v4.1: 2 of 1,613,772 alleles (0.00012%); highest among the groups gnomAD compares: Non-Finnish European, 0.000085%; no homozygotes.

Submission:

Labcorp Genetics (formerly Invitae), Labcorp
Classification: Uncertain significance for Curry-Hall syndrome; Ellis-van Creveld syndrome. Last evaluated: 2025-05-01. Review status: criteria provided, single submitter. Criteria: Invitae Variant Classification Sherloc (09022015). Collection method: clinical testing. Allele origin: germline.
Comment: This sequence change falls in intron 8 of the EVC2 gene. It does not directly change the encoded amino acid sequence of the EVC2 protein. This variant is not present in population databases (gnomAD no frequency). This variant has not been reported in the literature in individuals affected with EVC2-related conditions. Algorithms developed to predict the effect of sequence changes on RNA splicing suggest that this variant may disrupt the consensus splice site. In summary, the available evidence is currently insufficient to determine the role of this variant in disease. Therefore, it has been classified as a Variant of Uncertain Significance.

NM_147127.5(EVC2):c.1006-16C>A

Gene: EVC2 (EvC ciliary complex subunit 2; minus strand). Cytogenetic location: 4p16.2.
Variant type: single nucleotide variant.
Coding change: c.1006-16C>A on transcript NM_147127.5 (MANE Select); 16 bases into the intron before coding-DNA position 1006, C replaced by A.
Molecular consequence: intron variant.
Genome position (GRCh38, 1-based): chr4:5,663,262, G>T on the plus strand (C>A on the coding strand, the complement: EVC2 is on the minus strand). VCF-style: chr4-5663262-G-T. GRCh37 (hg19) VCF-style: chr4-5664989-G-T.
Other names: c.766-16C>A (NM_001166136.2).
Identifiers: ClinVar variation 4791088 (VCV004791088.1).